The following is an entry in ClinVar:

NM_015346.4(ZFYVE26):c.3487dup (p.Ala1163fs)

Gene: ZFYVE26 (zinc finger FYVE-type containing 26; minus strand). Cytogenetic location: 14q24.1.
Variant type: Duplication.
Coding change: c.3487dup on transcript NM_015346.4 (MANE Select); coding-DNA position 3487, one base duplicated (G; older notation c.3487dupG).
Protein change: p.Ala1163fs; shifts the reading frame from alanine 1163.
Molecular consequence: frameshift variant.
Genome position (GRCh38, 1-based): chr14:67,785,095, C duplicated on the plus strand (G on the coding strand, the reverse complement: ZFYVE26 is on the minus strand). VCF-style (leftmost placement, unchanged base first): chr14-67785094-G-GC. GRCh37 (hg19) VCF-style: chr14-68251811-G-GC.
Other names: short protein forms A1163fs.
Identifiers: ClinVar variation 5014380 (VCV005014380.1).
Genomic context (GRCh38, chr14:67,785,094, plus strand): 5'-CTATTGCCTCTTTCTTGCTACCTACCAGGCTCAGAGCTCAAACTTTGAAGGAGAACTGCA[G>GC]CAAGGGTGCTGCAGTAACTGAAGAAGGTGCCCAAGTAGTCCATCTGCCTGCTGCCTGATG-3'

ClinVar aggregate classification (germline): Pathogenic (1 of 4 stars; one submission).

Conditions:
Hereditary spastic paraplegia 15 (SPG15). Also called: SPASTIC PARAPLEGIA 15, AUTOSOMAL RECESSIVE; KJELLIN SYNDROME; SPASTIC PARAPLEGIA AND RETINAL DEGENERATION. Identifiers: Orphanet 100996, MedGen C1849128, MONDO:0010044, OMIM 270700.

Submission:

Myriad Genetics, Inc.
Classification: Pathogenic for Hereditary spastic paraplegia 15. Last evaluated: 2025-05-04. Review status: criteria provided, single submitter. Criteria: Myriad Autosomal Dominant, Autosomal Recessive and X-Linked Classification Criteria (2023). Collection method: clinical testing. Allele origin: unknown.
Comment: NM_015346.3(ZFYVE26):c.3487dupG(A1163Gfs*11) is expected to be pathogenic in the context of spastic paraplegia type 15. This variant is predicted to lead to an abnormal or absent protein product due to the creation of a premature termination codon in ZFYVE26, a gene where loss-of-function variants are known to be pathogenic. Please note: this variant was assessed in the context of healthy population screening.